The following is an entry in ClinVar:

ClinVar aggregate classification (germline): Benign/Likely benign. Review status: criteria provided, multiple submitters, no conflicts (2 of 4 stars). 4 submissions from 4 submitters: Benign (1); Likely benign (3). Last evaluated 2026-05-19.

Conditions:
NF1-related disorder. Also called: NF1-related condition. Identifiers: MedGen CN379171.
Neurofibromatosis, type 1 (NF1). Also called: NEUROFIBROMATOSIS, TYPE I, SOMATIC; Peripheral type neurofibromatosis; Neurofibromatosis, type I; VON RECKLINGHAUSEN DISEASE. Identifiers: Orphanet 636, MedGen C0027831, MONDO:0018975, OMIM 162200. Disease mechanism: loss of function.
Hereditary cancer-predisposing syndrome. Also called: Tumor predisposition; Hereditary Cancer Syndrome; Neoplastic Syndromes, Hereditary; Hereditary neoplastic syndrome. Identifiers: Orphanet 140162, MedGen C0027672, MeSH D009386, MONDO:0015356.
Cardiovascular phenotype. Identifiers: MedGen CN230736.

gnomAD v4.1: 1 of 1,614,044 alleles (0.000062%); highest among the groups gnomAD compares: Non-Finnish European, 0.000085%; no homozygotes.

Submissions (4):

Myriad Genetics, Inc.
Classification: Benign for Neurofibromatosis, type 1. Last evaluated: 2026-05-19. Review status: criteria provided, single submitter. Criteria: Myriad Autosomal Dominant, Autosomal Recessive and X-Linked Classification Criteria (2023). Collection method: clinical testing. Allele origin: unknown.
Comment: This variant is considered benign. This variant is a silent/synonymous amino acid change and it is not expected to impact splicing.

PreventionGenetics, part of Exact Sciences
Classification: Likely benign for NF1-related condition. Last evaluated: 2026-02-11. Review status: criteria provided, single submitter. Criteria: ACMG Guidelines, 2015. Collection method: clinical testing. Allele origin: germline.
Comment: This variant is classified as likely benign based on ACMG/AMP sequence variant interpretation guidelines (Richards et al. 2015 PMID: 25741868, with internal and published modifications).

Labcorp Genetics (formerly Invitae), Labcorp
Classification: Likely benign for Neurofibromatosis, type 1. Last evaluated: 2024-09-23. Review status: criteria provided, single submitter. Criteria: Invitae Variant Classification Sherloc (09022015). Collection method: clinical testing. Allele origin: germline.

Ambry Genetics
Classification: Likely benign for Cardiovascular phenotype; Hereditary cancer-predisposing syndrome. Last evaluated: 2024-02-23. Review status: criteria provided, single submitter. Criteria: Ambry Variant Classification Scheme 2023. Collection method: clinical testing. Allele origin: germline.

NM_001042492.3(NF1):c.4482T>C (p.His1494=)

Gene: NF1 (neurofibromin 1; plus strand). Cytogenetic location: 17q11.2.
Variant type: single nucleotide variant.
Coding change: c.4482T>C on transcript NM_001042492.3 (MANE Select); coding-DNA position 4482, T replaced by C.
Protein change: p.His1494=; no amino-acid change (histidine 1494 retained).
Molecular consequence: synonymous variant.
Genome position (GRCh38, 1-based): chr17:31,260,420, T>C. VCF-style: chr17-31260420-T-C. GRCh37 (hg19) VCF-style: chr17-29587438-T-C.
Other names: c.4419T>C, p.His1473= (NM_000267.4).
Identifiers: ClinVar variation 1119773 (VCV001119773.10), dbSNP rs2151464642, ClinGen allele CA499233659.